The following is an entry in ClinVar:

ClinVar aggregate classification (germline): Likely pathogenic (1 of 4 stars; one submission).

Conditions:
Fanconi anemia (FA). Also called: Fanconi's anemia. Identifiers: Orphanet 84, MedGen C0015625, MeSH D005199, MONDO:0019391.

gnomAD v4.1: 1 of 1,612,854 alleles (0.000062%); highest among the groups gnomAD compares: Non-Finnish European, 0.000085%; no homozygotes.

Submission:

Labcorp Genetics (formerly Invitae), Labcorp
Classification: Likely pathogenic for Fanconi anemia. Last evaluated: 2025-12-02. Review status: criteria provided, single submitter. Criteria: Invitae Variant Classification Sherloc (09022015). Collection method: clinical testing. Allele origin: germline.
Comment: This sequence change affects a donor splice site in intron 2 of the FANCL gene. It is expected to disrupt RNA splicing. Variants that disrupt the donor or acceptor splice site typically lead to a loss of protein function (PMID: 16199547), and loss-of-function variants in FANCL are known to be pathogenic (PMID: 19405097, 23613520). This variant is not present in population databases (gnomAD no frequency). This variant has not been reported in the literature in individuals affected with FANCL-related conditions. Algorithms developed to predict the effect of sequence changes on RNA splicing suggest that this variant may disrupt the consensus splice site. In summary, the currently available evidence indicates that the variant is pathogenic, but additional data are needed to prove that conclusively. Therefore, this variant has been classified as Likely Pathogenic.

Literature cited by the submitters: PubMed 16199547; PubMed 19405097; PubMed 23613520.

NM_018062.4(FANCL):c.155+2T>G

Gene: FANCL (FA complementation group L; minus strand). Cytogenetic location: 2p16.1.
Variant type: single nucleotide variant.
Coding change: c.155+2T>G on transcript NM_018062.4 (MANE Select); the canonical splice donor site of the intron after coding-DNA position 155, T replaced by G.
Molecular consequence: splice donor variant. On other transcripts: intron variant (1).
Genome position (GRCh38, 1-based): chr2:58,232,052, A>C on the plus strand (T>G on the coding strand, the complement: FANCL is on the minus strand). VCF-style: chr2-58232052-A-C. GRCh37 (hg19) VCF-style: chr2-58459187-A-C.
Other names: c.96+9166T>G (NM_001438892.1); c.155+2T>G (NM_001438891.1, NM_001374615.1, NM_001438889.1 and 3 more transcripts).
Identifiers: ClinVar variation 4732400 (VCV004732400.1).